The following is an entry in ClinVar:

ClinVar aggregate classification (germline): Benign/Likely benign. Review status: criteria provided, multiple submitters, no conflicts (2 of 4 stars). 3 submissions from 3 submitters: Benign (1); Likely benign (1). 1 of the submissions does not count toward it. Last evaluated 2026-02-01.

Conditions:
Vibratory urticaria (VBU). Identifiers: MedGen C0157743, MONDO:0006618, OMIM 125630, HP:0410138.
ADGRE2-related disorder. Also called: ADGRE2-related condition.

Allele frequency attached by ClinVar (database versions not stated): gnomAD exomes 0.00014; ExAC 0.00038; ESP Exome Variant Server 0.00138; gnomAD 0.00143; TOPMed 0.00148.
gnomAD v4.1: 437 of 1,614,068 alleles (0.027%); highest among the groups gnomAD compares: African/African-American, 0.54%; 1 homozygote.

Submissions (3):

Labcorp Genetics (formerly Invitae), Labcorp
Classification: Likely benign. Last evaluated: 2026-02-01. Review status: criteria provided, single submitter. Criteria: Invitae Variant Classification Sherloc (09022015). Collection method: clinical testing. Allele origin: germline.

Dr.Nikuei Genetic Center
Classification: Benign for Vibratory urticaria. Last evaluated: 2024-06-27. Review status: criteria provided, single submitter. Criteria: ACMG Guidelines, 2015. Collection method: clinical testing. Allele origin: germline. Affected: no.

PreventionGenetics, part of Exact Sciences
Classification: Benign for ADGRE2-related condition. Last evaluated: 2019-05-02. Review status: no assertion criteria provided. Collection method: clinical testing. Allele origin: germline. Not counted in ClinVar's aggregate classification.
Comment: This variant is classified as benign based on ACMG/AMP sequence variant interpretation guidelines (Richards et al. 2015 PMID: 25741868, with internal and published modifications).

NM_013447.4(ADGRE2):c.1919A>G (p.Asn640Ser)

Gene: ADGRE2 (adhesion G protein-coupled receptor E2; minus strand). Cytogenetic location: 19p13.12.
Variant type: single nucleotide variant.
Coding change: c.1919A>G on transcript NM_013447.4 (MANE Select); coding-DNA position 1919, A replaced by G.
Protein change: p.Asn640Ser; replaces asparagine 640 with serine.
Molecular consequence: missense variant.
Genome position (GRCh38, 1-based): chr19:14,751,541, T>C on the plus strand (A>G on the coding strand, the complement: ADGRE2 is on the minus strand). VCF-style: chr19-14751541-T-C. GRCh37 (hg19) VCF-style: chr19-14862353-T-C.
Other names: c.1745A>G, p.Asn582Ser (NM_001271052.1); c.1772A>G, p.Asn591Ser (NM_152916.2); c.1640A>G, p.Asn547Ser (NM_152917.2); c.1919A>G (NM_013447.3); short protein forms N582S, N591S, N640S, N547S.
Identifiers: ClinVar variation 2068876 (VCV002068876.7), dbSNP rs113941589, ClinGen allele CA9257558.